The following is an entry in ClinVar:

ClinVar aggregate classification (germline): Uncertain significance (1 of 4 stars; one submission).

Conditions:
Charcot-Marie-Tooth disease type 4. Also called: Charcot-Marie-Tooth, Type 4; Charcot-Marie-Tooth disease, type IV. Identifiers: Orphanet 64749, MedGen C4082197, MONDO:0018995.

Submission:

Labcorp Genetics (formerly Invitae), Labcorp
Classification: Uncertain significance for Charcot-Marie-Tooth disease type 4. Last evaluated: 2022-04-08. Review status: criteria provided, single submitter. Criteria: Invitae Variant Classification Sherloc (09022015). Collection method: clinical testing. Allele origin: germline.
Comment: This sequence change replaces glycine, which is neutral and non-polar, with arginine, which is basic and polar, at codon 369 of the NDRG1 protein (p.Gly369Arg). This variant is not present in population databases (gnomAD no frequency). This variant has not been reported in the literature in individuals affected with NDRG1-related conditions. Algorithms developed to predict the effect of missense changes on protein structure and function (SIFT, PolyPhen-2, Align-GVGD) all suggest that this variant is likely to be tolerated. In summary, the available evidence is currently insufficient to determine the role of this variant in disease. Therefore, it has been classified as a Variant of Uncertain Significance.

NM_006096.4(NDRG1):c.1105G>C (p.Gly369Arg)

Gene: NDRG1 (N-myc downstream regulated 1; minus strand). Cytogenetic location: 8q24.22.
Variant type: single nucleotide variant.
Coding change: c.1105G>C on transcript NM_006096.4 (MANE Select); coding-DNA position 1105, G replaced by C.
Protein change: p.Gly369Arg; replaces glycine 369 with arginine.
Molecular consequence: missense variant.
Genome position (GRCh38, 1-based): chr8:133,238,958, C>G on the plus strand (G>C on the coding strand, the complement: NDRG1 is on the minus strand). VCF-style: chr8-133238958-C-G. GRCh37 (hg19) VCF-style: chr8-134251201-C-G.
Other names: c.1105G>C, p.Gly369Arg (NM_001135242.2, NM_001374845.1, NM_001374846.1); c.907G>C, p.Gly303Arg (NM_001258432.2, NM_001374847.1); c.862G>C, p.Gly288Arg (NM_001258433.2); c.1156G>C, p.Gly386Arg (NM_001374844.1); short protein forms G303R, G288R, G369R, G386R.
Identifiers: ClinVar variation 2115474 (VCV002115474.1), dbSNP rs2537995380, ClinGen allele CA372254339.